The following is an entry in ClinVar:

NM_000214.3(JAG1):c.156G>C (p.Gly52=)

Gene: JAG1 (jagged canonical Notch ligand 1; minus strand). Cytogenetic location: 20p12.2.
Variant type: single nucleotide variant.
Coding change: c.156G>C on transcript NM_000214.3 (MANE Select); coding-DNA position 156, G replaced by C.
Protein change: p.Gly52=; no amino-acid change (glycine 52 retained).
Molecular consequence: synonymous variant.
Genome position (GRCh38, 1-based): chr20:10,672,932, C>G on the plus strand (G>C on the coding strand, the complement: JAG1 is on the minus strand). VCF-style: chr20-10672932-C-G. GRCh37 (hg19) VCF-style: chr20-10653580-C-G.
Identifiers: ClinVar variation 3573421 (VCV003573421.2).

Conditions:
Arteriohepatic dysplasia. Also called: Alagille Syndrome. Identifiers: Orphanet 52, MedGen C0085280, MeSH D016738, MONDO:0007318.

Submission:

Gilbert/Spinner Lab, Children's Hospital of Philadelphia
No classification provided (evidence only). Condition: Alagille syndrome. Review status: no classification provided. Collection method: research. Allele origin: not applicable. Functional consequence: functionally_abnormal.
ClinVar note: "not provided" was previously submitted as the classification for the variant. However, the classification appeared to be based only on an observation of functional data so it was converted to no classification on 2025-07-30.